The following is an entry in ClinVar:

ClinVar aggregate classification (germline): Benign. Review status: criteria provided, single submitter (1 of 4 stars). 3 submissions from 1 submitter: Benign (3). Last evaluated 2018-01-13.

Conditions:
Factor V deficiency. Also called: Reduced coagulation factor V activity. Identifiers: Orphanet 326, MedGen C4317320, MONDO:0020586, HP:0003225.
Thrombophilia due to thrombin defect (THPH1). Also called: Thrombosis susceptibility; THROMBOPHILIA DUE TO FACTOR 2 DEFECT; Prothrombin-Related Thrombophilia (Factor II); Prothrombin Thrombophilia. Identifiers: MedGen C3160733, MONDO:0008559, OMIM 188050. Disease mechanism: gain of function, loss of function.
Budd-Chiari syndrome (BDCHS). Also called: Hepatic vein obstruction. Identifiers: Orphanet 131, MedGen C0856761, MONDO:0010947, OMIM 600880, HP:0002639.

Allele frequency attached by ClinVar (database versions not stated): 1000 Genomes Project 30x 0.04403; 1000 Genomes Project 0.04533; TOPMed 0.05160; gnomAD 0.05464 and 0.05552.

Submissions (3):

Illumina Laboratory Services, Illumina
Classification: Benign for Budd-Chiari syndrome. Last evaluated: 2018-01-13. Review status: criteria provided, single submitter. Criteria: ICSL Variant Classification Criteria 13 December 2019. Collection method: clinical testing. Allele origin: germline.
Comment: This variant was observed in the ICSL laboratory as part of a predisposition screen in an ostensibly healthy population. It had not been previously curated by ICSL or reported in the Human Gene Mutation Database (HGMD: prior to June 1st, 2018), and was therefore a candidate for classification through an automated scoring system. Utilizing variant allele frequency, disease prevalence and penetrance estimates, and inheritance mode, an automated score was calculated to assess if this variant is too frequent to cause the disease. Based on the score and internal cut-off values, a variant classified as benign is not then subjected to further curation. The score for this variant resulted in a classification of benign for this disease.

Illumina Laboratory Services, Illumina
Classification: Benign for Venous thrombosis. Last evaluated: 2018-01-13. Review status: criteria provided, single submitter. Criteria: ICSL Variant Classification Criteria 13 December 2019. Collection method: clinical testing. Allele origin: germline.
Comment: the same text as in the submission from Illumina Laboratory Services, Illumina above.

Illumina Laboratory Services, Illumina
Classification: Benign for Congenital factor V deficiency. Last evaluated: 2018-01-13. Review status: criteria provided, single submitter. Criteria: ICSL Variant Classification Criteria 13 December 2019. Collection method: clinical testing. Allele origin: germline.
Comment: the same text as in the submission from Illumina Laboratory Services, Illumina above.

NM_000130.5(F5):c.*1246C>T

Gene: F5 (coagulation factor V; minus strand). Cytogenetic location: 1q24.2.
Variant type: single nucleotide variant.
Coding change: c.*1246C>T on transcript NM_000130.5 (MANE Select); 1246 bases downstream of the stop codon, C replaced by T.
Molecular consequence: 3 prime UTR variant.
Genome position (GRCh38, 1-based): chr1:169,513,067, G>A on the plus strand (C>T on the coding strand, the complement: F5 is on the minus strand). VCF-style: chr1-169513067-G-A. GRCh37 (hg19) VCF-style: chr1-169482305-G-A.
Identifiers: ClinVar variation 293551 (VCV000293551.6), dbSNP rs9332676, ClinGen allele CA10608690.